The following is an entry in ClinVar:

NM_003738.5(PTCH2):c.1927C>T (p.Arg643Trp)

Gene: PTCH2 (patched 2; minus strand). Cytogenetic location: 1p34.1.
Variant type: single nucleotide variant.
Coding change: c.1927C>T on transcript NM_003738.5 (MANE Select); coding-DNA position 1927, C replaced by T.
Protein change: p.Arg643Trp; replaces arginine 643 with tryptophan.
Molecular consequence: missense variant.
Genome position (GRCh38, 1-based): chr1:44,827,974, G>A on the plus strand (C>T on the coding strand, the complement: PTCH2 is on the minus strand). VCF-style: chr1-44827974-G-A. GRCh37 (hg19) VCF-style: chr1-45293646-G-A.
Other names: c.1927C>T, p.Arg643Trp (NM_001166292.2); short protein forms R643W.
Identifiers: ClinVar variation 2803357 (VCV002803357.3), dbSNP rs760752601, ClinGen allele CA823147.
Genomic context (GRCh38, chr1:44,827,974, plus strand): 5'-AGGGCAGGGACTTGCAGGCTGCCTTCTGCCTTGTCTCCTCCTCCTGGCCTAGAAGGTCCC[G>A]TGTGGACCCTCCAGGGCTGAAGAGCTCAGAGCCCAGTGGGTCAGAAGGTGGGGGCACCAG-3'
Protein context (NP_003729.3, residues 633-653): SELFSPGGST[Arg643Trp]DLLGQEEETR

ClinVar aggregate classification (germline): Uncertain significance (1 of 4 stars; one submission).

Conditions:
Gorlin syndrome. Also called: Nevoid Basal Cell Carcinoma Syndrome; Basal cell nevus syndrome. Identifiers: Orphanet 377, MedGen C0004779, MONDO:0007187.

Allele frequency attached by ClinVar (database versions not stated): gnomAD 0.00001; ExAC 0.00003.
gnomAD v4.1: 17 of 1,614,080 alleles (0.0011%); highest among the groups gnomAD compares: South Asian, 0.0066%; no homozygotes.

Submission:

Labcorp Genetics (formerly Invitae), Labcorp
Classification: Uncertain significance for Gorlin syndrome. Last evaluated: 2023-08-29. Review status: criteria provided, single submitter. Criteria: Invitae Variant Classification Sherloc (09022015). Collection method: clinical testing. Allele origin: germline.
Comment: In summary, the available evidence is currently insufficient to determine the role of this variant in disease. Therefore, it has been classified as a Variant of Uncertain Significance. Advanced modeling of protein sequence and biophysical properties (such as structural, functional, and spatial information, amino acid conservation, physicochemical variation, residue mobility, and thermodynamic stability) has been performed at Invitae for this missense variant, however the output from this modeling did not meet the statistical confidence thresholds required to predict the impact of this variant on PTCH2 protein function. This variant has not been reported in the literature in individuals affected with PTCH2-related conditions. This variant is present in population databases (rs760752601, gnomAD 0.01%). This sequence change replaces arginine, which is basic and polar, with tryptophan, which is neutral and slightly polar, at codon 643 of the PTCH2 protein (p.Arg643Trp).